The following is an entry in ClinVar:

NM_006017.3(PROM1):c.1954T>C (p.Tyr652His)

Gene: PROM1 (prominin 1; minus strand). Cytogenetic location: 4p15.32.
Variant type: single nucleotide variant.
Coding change: c.1954T>C on transcript NM_006017.3 (MANE Select); coding-DNA position 1954, T replaced by C.
Protein change: p.Tyr652His; replaces tyrosine 652 with histidine.
Molecular consequence: missense variant.
Genome position (GRCh38, 1-based): chr4:15,991,251, A>G on the plus strand (T>C on the coding strand, the complement: PROM1 is on the minus strand). VCF-style: chr4-15991251-A-G. GRCh37 (hg19) VCF-style: chr4-15992874-A-G.
Other names: c.1927T>C, p.Tyr643His (NM_001145847.2, NM_001145848.2, NM_001145851.2 and 4 more transcripts); c.1954T>C, p.Tyr652His (NM_001145849.2, NM_001145850.2); short protein forms Y643H, Y652H.
Identifiers: ClinVar variation 968566 (VCV000968566.10), dbSNP rs768320190, ClinGen allele CA2866575.
Genomic context (GRCh38, chr4:15,991,251, plus strand): 5'-TACAGTATTTAACCGGACGATTTGAACTCACCAAACTGTTTGCTTTTGCTTCTAGATCAT[A>G]TGCAAATGATAAAAGATTCACTCCTGCGGGGGATTTACCAGTCTACAATAGAAGTGAAAA-3'
Protein context (NP_006008.1, residues 642-662): PAGVNLLSFA[Tyr652His]DLEAKANSLP

ClinVar aggregate classification (germline): Uncertain significance. Review status: criteria provided, multiple submitters, no conflicts (2 of 4 stars). 2 submissions from 2 submitters: Uncertain significance (2). Last evaluated 2022-07-29.

Allele frequency attached by ClinVar (database versions not stated): gnomAD exomes 0.00001 and 0.00002; TOPMed 0.00001; ExAC 0.00002.
gnomAD v4.1: 7 of 1,608,200 alleles (0.00044%); highest among the groups gnomAD compares: Admixed American, 0.012%; no homozygotes.

Submissions (2):

Labcorp Genetics (formerly Invitae), Labcorp
Classification: Uncertain significance. Last evaluated: 2022-07-29. Review status: criteria provided, single submitter. Criteria: Invitae Variant Classification Sherloc (09022015). Collection method: clinical testing. Allele origin: germline.
Comment: Algorithms developed to predict the effect of missense changes on protein structure and function (SIFT, PolyPhen-2, Align-GVGD) all suggest that this variant is likely to be tolerated. This sequence change replaces tyrosine, which is neutral and polar, with histidine, which is basic and polar, at codon 652 of the PROM1 protein (p.Tyr652His). This variant is present in population databases (rs768320190, gnomAD 0.02%). This variant has not been reported in the literature in individuals affected with PROM1-related conditions. ClinVar contains an entry for this variant (Variation ID: 968566). In summary, the available evidence is currently insufficient to determine the role of this variant in disease. Therefore, it has been classified as a Variant of Uncertain Significance.

Blueprint Genetics
Classification: Uncertain significance. Last evaluated: 2021-07-05. Review status: criteria provided, single submitter. Criteria: ACMG Guidelines, 2015. Collection method: clinical testing. Allele origin: germline.